The following is an entry in ClinVar:

ClinVar aggregate classification (germline): Benign. Review status: criteria provided, multiple submitters, no conflicts (2 of 4 stars). 2 submissions from 2 submitters: Benign (2). Last evaluated 2026-04-14.

Conditions:
Familial intrahepatic cholestasis. Identifiers: Orphanet 284385, MedGen CN296401, MONDO:0017290.

Allele frequency attached by ClinVar (database versions not stated): 1000 Genomes Project 30x 0.35868; TOPMed 0.36075; 1000 Genomes Project 0.36322; gnomAD 0.36749 and 0.37120; gnomAD exomes 0.40619.
gnomAD v4.1: 451,287 of 1,124,610 alleles (40%); highest among the groups gnomAD compares: South Asian, 52%; 92,657 homozygotes.

Submissions (2):

Genomenon, Inc
Classification: Benign for Familial intrahepatic cholestasis. Last evaluated: 2026-04-14. Review status: criteria provided, single submitter. Criteria: Genomenon Sequence Variant Interpretation Standards - Updated. Collection method: curation. Allele origin: germline. Affected: no.
Comment: ATP8B1 c.554+122C>T is a deep intronic variant located in intron 6. This variant is present at high allele frequency in population databases. In conclusion, we classify ATP8B1 c.554+122C>T as a benign variant.

GeneDx
Classification: Benign. Last evaluated: 2018-06-29. Review status: criteria provided, single submitter. Criteria: GeneDx Variant Classification Process June 2021. Collection method: clinical testing. Allele origin: germline. Affected: yes.

NM_001374385.1(ATP8B1):c.554+122C>T

Gene: ATP8B1 (ATPase phospholipid transporting 8B1; minus strand). Cytogenetic location: 18q21.31.
Variant type: single nucleotide variant.
Coding change: c.554+122C>T on transcript NM_001374385.1 (MANE Select); 122 bases into the intron after coding-DNA position 554, C replaced by T.
Molecular consequence: intron variant.
Genome position (GRCh38, 1-based): chr18:57,700,917, G>A on the plus strand (C>T on the coding strand, the complement: ATP8B1 is on the minus strand). VCF-style: chr18-57700917-G-A. GRCh37 (hg19) VCF-style: chr18-55368149-G-A.
Other names: c.554+122C>T (NM_005603.6); c.404+122C>T (NM_001374386.1).
Identifiers: ClinVar variation 1264109 (VCV001264109.3), dbSNP rs4940989, ClinGen allele CA14537494.